The following is an entry in ClinVar:

NM_001267550.2(TTN):c.73324G>A (p.Ala24442Thr)

Genes: TTN (titin; minus strand), TTN-AS1 (TTN antisense RNA 1; plus strand). Cytogenetic location: 2q31.2.
Variant type: single nucleotide variant.
Coding change: c.73324G>A on transcript NM_001267550.2 (MANE Select); coding-DNA position 73324, G replaced by A.
Protein change: p.Ala24442Thr; replaces alanine 24442 with threonine.
Molecular consequence: missense variant.
Genome position (GRCh38, 1-based): chr2:178,572,808, C>T on the plus strand (G>A on the coding strand, the complement: TTN is on the minus strand). VCF-style: chr2-178572808-C-T. GRCh37 (hg19) VCF-style: chr2-179437535-C-T.
Other names: c.68401G>A, p.Ala22801Thr (NM_001256850.1); c.46129G>A, p.Ala15377Thr (NM_003319.4); c.65620G>A, p.Ala21874Thr (NM_133378.4); c.46504G>A, p.Ala15502Thr (NM_133432.3); c.46705G>A, p.Ala15569Thr (NM_133437.4); short protein forms A15377T, A15569T, A21874T, A15502T, A22801T, A24442T.
Identifiers: ClinVar variation 1741903 (VCV001741903.2), dbSNP rs764005465, ClinGen allele CA1990380.

ClinVar aggregate classification (germline): Uncertain significance (1 of 4 stars; one submission).

Conditions:
Cardiovascular phenotype. Identifiers: MedGen CN230736.

Allele frequency attached by ClinVar (database versions not stated): gnomAD exomes below 0.00001; ExAC 0.00001.
gnomAD v4.1: 1 of 1,613,392 alleles (0.000062%); highest among the groups gnomAD compares: Admixed American, 0.0017%; no homozygotes.

Submission:

Ambry Genetics
Classification: Uncertain significance for Cardiovascular phenotype. Last evaluated: 2018-09-13. Review status: criteria provided, single submitter. Criteria: Ambry Variant Classification Scheme 2023. Collection method: clinical testing. Allele origin: germline.
Comment: The p.A15377T variant (also known as c.46129G>A), located in coding exon 153 of the TTN gene, results from a G to A substitution at nucleotide position 46129. The alanine at codon 15377 is replaced by threonine, an amino acid with similar properties. This amino acid position is highly conserved in available vertebrate species. In addition, this alteration is predicted to be tolerated by in silico analysis. Since supporting evidence is limited at this time, the clinical significance of this alteration remains unclear.